The following is an entry in ClinVar:

ClinVar aggregate classification (germline): Uncertain significance (1 of 4 stars; one submission).

Conditions:
Oligodontia-cancer predisposition syndrome. Also called: TOOTH AGENESIS-COLORECTAL CANCER SYNDROME. Identifiers: Orphanet 300576, MedGen C1837750, MONDO:0012075, OMIM 608615. Disease mechanism: loss of function.

gnomAD v4.1: 1 of 1,568,584 alleles (0.000064%); highest among the groups gnomAD compares: Non-Finnish European, 0.000086%; no homozygotes.

Submission:

Labcorp Genetics (formerly Invitae), Labcorp
Classification: Uncertain significance for Oligodontia-cancer predisposition syndrome. Last evaluated: 2022-06-15. Review status: criteria provided, single submitter. Criteria: Invitae Variant Classification Sherloc (09022015). Collection method: clinical testing. Allele origin: germline.
Comment: This variant has not been reported in the literature in individuals affected with AXIN2-related conditions. Algorithms developed to predict the effect of missense changes on protein structure and function (SIFT, PolyPhen-2, Align-GVGD) all suggest that this variant is likely to be disruptive. In summary, the available evidence is currently insufficient to determine the role of this variant in disease. Therefore, it has been classified as a Variant of Uncertain Significance. This variant is not present in population databases (gnomAD no frequency). This sequence change replaces proline, which is neutral and non-polar, with histidine, which is basic and polar, at codon 462 of the AXIN2 protein (p.Pro462His).

NM_004655.4(AXIN2):c.1385C>A (p.Pro462His)

Gene: AXIN2 (axin 2; minus strand). Cytogenetic location: 17q24.1.
Variant type: single nucleotide variant.
Coding change: c.1385C>A on transcript NM_004655.4 (MANE Select); coding-DNA position 1385, C replaced by A.
Protein change: p.Pro462His; replaces proline 462 with histidine.
Molecular consequence: missense variant.
Genome position (GRCh38, 1-based): chr17:65,537,651, G>T on the plus strand (C>A on the coding strand, the complement: AXIN2 is on the minus strand). VCF-style: chr17-65537651-G-T. GRCh37 (hg19) VCF-style: chr17-63533769-G-T.
Other names: c.1385C>A, p.Pro462His (NM_001363813.1); short protein forms P462H.
Identifiers: ClinVar variation 2006992 (VCV002006992.4), dbSNP rs758592586, ClinGen allele CA8718664.